The following is an entry in ClinVar:

ClinVar aggregate classification (germline): Likely benign. Review status: criteria provided, single submitter (1 of 4 stars). 2 submissions from 2 submitters: Likely benign (1). 1 of the submissions does not count toward it. Last evaluated 2024-06-28.

Conditions:
AIPL1-related disorder. Also called: AIPL1-related condition; AIPL1-related disorders. Identifiers: MedGen CN239169.

Allele frequency attached by ClinVar (database versions not stated): 1000 Genomes Project 30x 0.00016; gnomAD 0.00019 and 0.00020; 1000 Genomes Project 0.00020; TOPMed 0.00022; ExAC 0.00027; gnomAD exomes 0.00035; ESP Exome Variant Server 0.00038.
gnomAD v4.1: 304 of 1,611,110 alleles (0.019%); highest among the groups gnomAD compares: Middle Eastern, 0.033%; no homozygotes.

Submissions (2):

Blueprint Genetics
Classification: Likely benign. Last evaluated: 2024-06-28. Review status: criteria provided, single submitter. Criteria: ACMG Guidelines, 2015. Collection method: clinical testing. Allele origin: germline.

PreventionGenetics, part of Exact Sciences
Classification: Likely benign for AIPL1-related condition. Last evaluated: 2019-08-13. Review status: no assertion criteria provided. Collection method: clinical testing. Allele origin: germline. Not counted in ClinVar's aggregate classification.
Comment: This variant is classified as likely benign based on ACMG/AMP sequence variant interpretation guidelines (Richards et al. 2015 PMID: 25741868, with internal and published modifications).

NM_014336.5(AIPL1):c.784+21G>A

Gene: AIPL1 (AIP like 1 HSP90 co-chaperone; minus strand). Cytogenetic location: 17p13.2.
Variant type: single nucleotide variant.
Coding change: c.784+21G>A on transcript NM_014336.5 (MANE Select); 21 bases into the intron after coding-DNA position 784, G replaced by A.
Molecular consequence: intron variant. On other transcripts: missense variant (1).
Genome position (GRCh38, 1-based): chr17:6,426,594, C>T on the plus strand (G>A on the coding strand, the complement: AIPL1 is on the minus strand). VCF-style: chr17-6426594-C-T. GRCh37 (hg19) VCF-style: chr17-6329914-C-T.
Other names: c.781G>A, p.Gly261Arg (NM_001285403.4); c.604+21G>A (NM_001033055.3); c.718+21G>A (NM_001285400.3); c.748+21G>A (NM_001285399.3); c.595+21G>A (NM_001033054.3); c.712+21G>A (NM_001285401.3); c.667+21G>A (NM_001285402.2); c.781G>A (NM_001285403.2); short protein forms G261R.
Identifiers: ClinVar variation 866735 (VCV000866735.4), dbSNP rs200210506, ClinGen allele CA8328398.